The following is an entry in ClinVar:

NM_001258392.3(CLPB):c.694G>C (p.Ala232Pro)

Gene: CLPB (ClpB family mitochondrial disaggregase; minus strand). Cytogenetic location: 11q13.4.
Variant type: single nucleotide variant.
Coding change: c.694G>C on transcript NM_001258392.3 (MANE Select); coding-DNA position 694, G replaced by C.
Protein change: p.Ala232Pro; replaces alanine 232 with proline.
Molecular consequence: missense variant.
Genome position (GRCh38, 1-based): chr11:72,358,961, C>G on the plus strand (G>C on the coding strand, the complement: CLPB is on the minus strand). VCF-style: chr11-72358961-C-G. GRCh37 (hg19) VCF-style: chr11-72070005-C-G.
Other names: c.607G>C, p.Ala203Pro (NM_001258393.3); c.649G>C, p.Ala217Pro (NM_001258394.3); c.784G>C, p.Ala262Pro (NM_030813.6); short protein forms A217P, A232P, A203P, A262P.
Identifiers: ClinVar variation 2048084 (VCV002048084.4), dbSNP rs779228307, ClinGen allele CA381962264.
Genomic context (GRCh38, chr11:72,358,961, plus strand): 5'-CAGTGCGGTAGTCATCAGCAAGAACAGCATAGTGCAAGGCCGTGCAGCCCTTGAAACTGG[C>G]GCGGTTGTTCAGCCTGTTGTTGAAGTCATCCTCTCGGGTGATCAGGACTGGGGAGACAGC-3'
Protein context (NP_001245321.1, residues 222-242): DDFNNRLNNR[Ala232Pro]SFKGCTALHY

ClinVar aggregate classification (germline): Uncertain significance (1 of 4 stars; one submission).

Conditions:
3-methylglutaconic aciduria, type VIIB (MGCA7B). Also called: CLPB Deficiency; 3-methylglutaconic aciduria, type VII, with cataracts, neurologic involvement and neutropenia; 3-methylglutaconic aciduria with cataracts, neurologic involvement and neutropenia. Identifiers: Orphanet 445038, MedGen C5676893, MONDO:0014561, OMIM 616271.

gnomAD v4.1: 4 of 1,613,270 alleles (0.00025%); highest among the groups gnomAD compares: African/African-American, 0.004%; no homozygotes.

Submission:

Labcorp Genetics (formerly Invitae), Labcorp
Classification: Uncertain significance for 3-methylglutaconic aciduria, type VIIB. Last evaluated: 2022-09-07. Review status: criteria provided, single submitter. Criteria: Invitae Variant Classification Sherloc (09022015). Collection method: clinical testing. Allele origin: germline.
Comment: In summary, the available evidence is currently insufficient to determine the role of this variant in disease. Therefore, it has been classified as a Variant of Uncertain Significance. Algorithms developed to predict the effect of missense changes on protein structure and function are either unavailable or do not agree on the potential impact of this missense change (SIFT: "Tolerated"; PolyPhen-2: "Probably Damaging"; Align-GVGD: "Class C0"). This variant has not been reported in the literature in individuals affected with CLPB-related conditions. This variant is not present in population databases (gnomAD no frequency). This sequence change replaces alanine, which is neutral and non-polar, with proline, which is neutral and non-polar, at codon 262 of the CLPB protein (p.Ala262Pro).